The following is an entry in ClinVar:

NM_032635.4(TMEM147):c.345-1G>T

Gene: TMEM147 (transmembrane protein 147; plus strand). Cytogenetic location: 19q13.12.
Variant type: single nucleotide variant.
Coding change: c.345-1G>T on transcript NM_032635.4 (MANE Select); the canonical splice acceptor site of the intron before coding-DNA position 345, G replaced by T.
Molecular consequence: splice acceptor variant. On other transcripts: intron variant (1).
Genome position (GRCh38, 1-based): chr19:35,546,944, G>T. VCF-style: chr19-35546944-G-T. GRCh37 (hg19) VCF-style: chr19-36037846-G-T.
Other names: c.198-1G>T (NM_001242597.2); c.208-175G>T (NM_001242598.2).
Identifiers: ClinVar variation 1708024 (VCV001708024.7), dbSNP rs566519921, ClinGen allele CA9380434.

ClinVar aggregate classification (germline): Pathogenic. Review status: criteria provided, multiple submitters, no conflicts (2 of 4 stars). 3 submissions from 3 submitters: Pathogenic (3). Last evaluated 2023-02-23.

Conditions:
Neurodevelopmental disorder with facial dysmorphism, absent language, and pseudo-pelger-huet anomaly. Identifiers: Orphanet 698085, MedGen C5774232, MONDO:0859298, OMIM 620075.

Allele frequency attached by ClinVar (database versions not stated): TOPMed below 0.00001; gnomAD 0.00001; ExAC 0.00002; 1000 Genomes Project 30x 0.00016; 1000 Genomes Project 0.00020.
gnomAD v4.1: 5 of 1,614,214 alleles (0.00031%); highest among the groups gnomAD compares: East Asian, 0.0089%; no homozygotes.

Submissions (4):

3billion
Classification: Pathogenic for Neurodevelopmental disorder with facial dysmorphism, absent language, and pseudo-pelger-huet anomaly. Last evaluated: 2023-02-23. Review status: criteria provided, single submitter. Criteria: ACMG Guidelines, 2015. Collection method: clinical testing. Allele origin: unknown. Affected: yes.
Comment: The variant is observed at an extremely low frequency in the gnomAD v2.1.1 dataset (total allele frequency: 0.002%). This variant was predicted to alter splicing and result in a loss or disruption of normal protein function. Therefore, this variant is classified as Pathogenic according to the recommendation of ACMG/AMP guideline.

Equipe Genetique des Anomalies du Developpement, Université de Bourgogne
Classification: Pathogenic for Neurodevelopmental disorder with facial dysmorphism, absent language, and pseudo-pelger-huet anomaly. Review status: criteria provided, single submitter. Criteria: ACMG Guidelines, 2015. Collection method: clinical testing. Allele origin: biparental. Inheritance: Autosomal recessive inheritance. Affected: yes.

Juno Genomics, Hangzhou Juno Genomics, Inc
Classification: Pathogenic for Neurodevelopmental disorder with facial dysmorphism, absent language, and pseudo-pelger-huet anomaly. Review status: criteria provided, single submitter. Criteria: ACMG Guidelines, 2015. Collection method: clinical testing. Allele origin: germline.
Comment: Absent from controls (or at extremely low frequency if recessive) in Genome Aggregation Database.;Null variant in a gene where loss of function (LOF) is a known mechanism of disease.;For recessive disorders, detected in trans with a pathogenic variant.

Dr. Peter K. Rogan Lab, Western University
No classification provided (evidence only). Condition: Gastric cancer. Review status: no classification provided. Collection method: in vitro. Allele origin: not applicable. Functional consequence: retained intron. Not counted in ClinVar's aggregate classification.

Literature cited by the submitters: PubMed 36044892 (cited by Equipe Genetique des Anomalies du Developpement, Université de Bourgogne).